The following is an entry in ClinVar:

NM_001035.3(RYR2):c.4347T>C (p.Asp1449=)

Gene: RYR2 (ryanodine receptor 2; plus strand). Cytogenetic location: 1q43.
Variant type: single nucleotide variant.
Coding change: c.4347T>C on transcript NM_001035.3 (MANE Select); coding-DNA position 4347, T replaced by C.
Protein change: p.Asp1449=; no amino-acid change (aspartic acid 1449 retained).
Molecular consequence: synonymous variant.
Genome position (GRCh38, 1-based): chr1:237,593,547, T>C. VCF-style: chr1-237593547-T-C. GRCh37 (hg19) VCF-style: chr1-237756847-T-C.
Other names: p.Asp1449=.
Identifiers: ClinVar variation 165096 (VCV000165096.39), dbSNP rs368930040, ClinGen allele CA009516.

ClinVar aggregate classification (germline): Benign/Likely benign. Review status: criteria provided, multiple submitters, no conflicts (2 of 4 stars). 10 submissions from 10 submitters: Benign (5); Likely benign (5). Last evaluated 2026-01-08.

Conditions:
Cardiovascular phenotype. Identifiers: MedGen CN230736.
Catecholaminergic polymorphic ventricular tachycardia (CVPT). Also called: Catecholamine-induced polymorphic ventricular tachycardia. Identifiers: Orphanet 3286, MedGen C5574922, MONDO:0017990.
Cardiomyopathy (CMYO). Also called: Cardiomyopathies. Identifiers: Orphanet 167848, MedGen C0878544, MONDO:0004994, HP:0001638. Inheritance: Various modes of inheritance.
Catecholaminergic polymorphic ventricular tachycardia 1. Also called: RYR2-Related Catecholaminergic Polymorphic Ventricular Tachycardia; VENTRICULAR TACHYCARDIA, CATECHOLAMINERGIC POLYMORPHIC, 1, WITH OR WITHOUT ATRIAL DYSFUNCTION AND/OR DILATED CARDIOMYOPATHY; VENTRICULAR TACHYCARDIA, STRESS-INDUCED POLYMORPHIC 1. Identifiers: Orphanet 3286, MedGen C1631597, MONDO:0011484, OMIM 604772.

Allele frequency attached by ClinVar (database versions not stated): gnomAD exomes 0.00005 and 0.00012; ExAC 0.00019; TOPMed 0.00057; ESP Exome Variant Server 0.00058; gnomAD 0.00058 and 0.00063; 1000 Genomes Project 0.00080; 1000 Genomes Project 30x 0.00109.
gnomAD v4.1: 170 of 1,613,974 alleles (0.011%); highest among the groups gnomAD compares: African/African-American, 0.21%; 1 homozygote.

Submissions (10):

Labcorp Genetics (formerly Invitae), Labcorp
Classification: Benign for Catecholaminergic polymorphic ventricular tachycardia 1. Last evaluated: 2026-01-08. Review status: criteria provided, single submitter. Criteria: Invitae Variant Classification Sherloc (09022015). Collection method: clinical testing. Allele origin: germline.

Mayo Clinic Laboratories, Mayo Clinic
Classification: Likely benign. Last evaluated: 2025-02-26. Review status: criteria provided, single submitter. Criteria: ACMG Guidelines, 2015. Collection method: clinical testing. Allele origin: germline. Observed: 1 variant allele.
Comment: BS1, BP4, BP7

CeGaT Center for Human Genetics Tuebingen
Classification: Likely benign. Last evaluated: 2025-02-01. Review status: criteria provided, single submitter. Criteria: CeGaT Center For Human Genetics Tuebingen Variant Classification Criteria Version 2. Collection method: clinical testing. Allele origin: germline. Affected: yes. Observed: 1 variant allele.
Comment: RYR2: BP4, BP7, BS1

All of Us Research Program, National Institutes of Health
Classification: Benign for Catecholaminergic polymorphic ventricular tachycardia. Last evaluated: 2024-01-11. Review status: criteria provided, single submitter. Criteria: ACMG Guidelines, 2015. Collection method: clinical testing. Allele origin: germline. Inheritance: Autosomal dominant inheritance. Observed: 30 variant alleles, 30 heterozygotes.
Comment: This study involves interpretation of variants in research participants for the purpose of population health screening. Participant phenotype was not available at the time of variant classification. Additional details can be found in publication PMID: 35346344, PMCID: PMC8962531

Blueprint Genetics
Classification: Likely benign. Last evaluated: 2023-12-29. Review status: criteria provided, single submitter. Criteria: ACMG Guidelines, 2015. Collection method: clinical testing. Allele origin: germline.

Women's Health and Genetics/Laboratory Corporation of America, LabCorp
Classification: Benign. Last evaluated: 2022-04-24. Review status: criteria provided, single submitter. Criteria: LabCorp Variant Classification Summary - May 2015. Collection method: clinical testing. Allele origin: germline.

Color Diagnostics, LLC DBA Color Health
Classification: Benign for Cardiomyopathy. Last evaluated: 2018-11-25. Review status: criteria provided, single submitter. Criteria: ACMG Guidelines, 2015. Collection method: clinical testing. Allele origin: germline.

Ambry Genetics
Classification: Likely benign for Cardiovascular phenotype. Last evaluated: 2017-06-07. Review status: criteria provided, single submitter. Criteria: Ambry Variant Classification Scheme 2023. Collection method: clinical testing. Allele origin: germline.

GeneDx
Classification: Benign. Last evaluated: 2015-09-22. Review status: criteria provided, single submitter. Criteria: GeneDx Variant Classification (06012015). Collection method: clinical testing. Allele origin: germline. Affected: yes.
Comment: This variant is considered likely benign or benign based on one or more of the following criteria: it is a conservative change, it occurs at a poorly conserved position in the protein, it is predicted to be benign by multiple in silico algorithms, and/or has population frequency not consistent with disease.

Laboratory for Molecular Medicine, Mass General Brigham Personalized Medicine
Classification: Likely benign. Last evaluated: 2012-03-19. Review status: criteria provided, single submitter. Criteria: LMM Criteria. Collection method: clinical testing. Allele origin: germline. Observed: 2 variant alleles.
Comment: Asp1449Asp in exon 33 of RYR2: This variant is not expected to have clinical sig nificance because it does not alter an amino acid residue and is not located wit hin the splice consensus sequence. It has been identified in 0.2% (5/3136) of Af rican American chromosomes from a broad population by the NHLBI Exome Sequencing Project. Asp1449Asp in exon 33 of RYR2 (all ele frequency = 0.2%, 5/3136) **